The following is an entry in ClinVar:

ClinVar aggregate classification (germline): Pathogenic (1 of 4 stars; one submission).

Conditions:
Hereditary spastic paraplegia 11. Also called: Spastic Paraplegia 11; SPASTIC PARAPLEGIA, AUTOSOMAL RECESSIVE, COMPLICATED, WITH THIN CORPUS CALLOSUM; SPASTIC PARAPLEGIA, AUTOSOMAL RECESSIVE, WITH MENTAL IMPAIRMENT AND THIN CORPUS CALLOSUM; Spastic paraplegia, mental retardation and thin corpus callosum; Nakamura Osame syndrome; Autosomal recessive hereditary spastic paraplegia, mental impairment, and thin corpus callosum. Identifiers: Orphanet 2822, MedGen C1858479, MONDO:0011445, OMIM 604360.
Charcot-Marie-Tooth disease axonal type 2X. Also called: CHARCOT-MARIE-TOOTH DISEASE, AXONAL, AUTOSOMAL RECESSIVE, TYPE 2X; CHARCOT-MARIE-TOOTH NEUROPATHY, TYPE 2X. Identifiers: Orphanet 466775, MedGen C5569024, MONDO:0014726, OMIM 616668.
Amyotrophic lateral sclerosis type 5 (ALS5). Also called: AMYOTROPHIC LATERAL SCLEROSIS 5, JUVENILE. Identifiers: Orphanet 300605, MedGen C1865864, MONDO:0011196, OMIM 602099.

Submission:

Juno Genomics, Hangzhou Juno Genomics, Inc
Classification: Pathogenic for Hereditary spastic paraplegia 11; Amyotrophic lateral sclerosis type 5; Charcot-Marie-Tooth disease axonal type 2X. Review status: criteria provided, single submitter. Criteria: ACMG Guidelines, 2015. Collection method: clinical testing. Allele origin: germline.
Comment: Absent from controls (or at extremely low frequency if recessive) in Genome Aggregation Database.;Null variant in a gene where loss of function (LOF) is a known mechanism of disease.;For recessive disorders, detected in trans with a pathogenic variant.

NM_025137.4(SPG11):c.1861C>T (p.Gln621Ter)

Gene: SPG11 (SPG11 vesicle trafficking associated, spatacsin; minus strand). Cytogenetic location: 15q21.1.
Variant type: single nucleotide variant.
Coding change: c.1861C>T on transcript NM_025137.4 (MANE Select); coding-DNA position 1861, C replaced by T.
Protein change: p.Gln621Ter; replaces glutamine 621 with a stop codon.
Molecular consequence: nonsense.
Genome position (GRCh38, 1-based): chr15:44,629,263, G>A on the plus strand (C>T on the coding strand, the complement: SPG11 is on the minus strand). VCF-style: chr15-44629263-G-A. GRCh37 (hg19) VCF-style: chr15-44921461-G-A.
Other names: c.1861C>T, p.Gln621Ter (NM_001160227.2, NM_001411132.1); short protein forms Q621*.
Identifiers: ClinVar variation 5018843 (VCV005018843.2).